The following is an entry in ClinVar:

NM_004415.4(DSP):c.2780dup (p.Leu927fs)

Gene: DSP (desmoplakin; plus strand). Cytogenetic location: 6p24.3.
Variant type: Duplication.
Coding change: c.2780dup on transcript NM_004415.4 (MANE Select); coding-DNA position 2780, one base duplicated (T; older notation c.2780dupT).
Protein change: p.Leu927fs; shifts the reading frame from leucine 927.
Molecular consequence: frameshift variant.
Genome position (GRCh38, 1-based): chr6:7,576,443, T duplicated; the last of 5 consecutive T bases (chr6:7,576,439-7,576,443); duplicating any one gives the same sequence. VCF-style (leftmost placement, unchanged base first): chr6-7576438-G-GT. GRCh37 (hg19) VCF-style: chr6-7576671-G-GT.
Other names: c.2780dup, p.Leu927fs (NM_001008844.3, NM_001319034.2); c.2780dupT (NM_004415.2); short protein forms L927fs.
Identifiers: ClinVar variation 1795922 (VCV001795922.2), dbSNP rs2533911780, ClinGen allele CA2580075380.
Genomic context (GRCh38, chr6:7,576,438, plus strand): 5'-TAAACGCCGCCAGGATTCCTTAGAATCCATGAAATTTGGAGATTCCAACACAGTCATGCG[G>GT]TTTTTGAATGAGCAGAAGGTATAAGCCAACTTTTTGTTCCATAGCTGTTTTGAGATTAAT-3'

ClinVar aggregate classification (germline): Pathogenic (1 of 4 stars; one submission).

Conditions:
Cardiovascular phenotype. Identifiers: MedGen CN230736.

Submission:

Ambry Genetics
Classification: Pathogenic for Cardiovascular phenotype. Last evaluated: 2022-09-27. Review status: criteria provided, single submitter. Criteria: Ambry Variant Classification Scheme 2023. Collection method: clinical testing. Allele origin: germline.
Comment: The c.2780dupT pathogenic mutation, located in coding exon 19 of the DSP gene, results from a duplication of T at nucleotide position 2780, causing a translational frameshift with a predicted alternate stop codon (p.L927Ffs*3). Alterations in DSP that result in haploinsufficiency or protein truncation have been reported in patients with arrhythmogenic right ventricular cardiomyopathy (ARVC) and dilated cardiomyopathy (DCM) (Fressart V et al. Europace. 2010;12(6):861-8; Elliott P et al. Circ Cardiovasc Genet. 2010;3(4):314-22; Quarta G et al. Circulation. 2011;123(23):2701-9; Garcia-Pavia P et al. Heart. 2011;97(21):1744-52; Rasmussen TB et al. Clin Genet. 2013;84(1):20-30; Pugh TJ et al. Genet Med. 2014;16(8):601-8). This alteration is expected to result in loss of function by premature protein truncation or nonsense-mediated mRNA decay. Based on the supporting evidence, this alteration is interpreted as a disease-causing mutation.